The following is an entry in ClinVar:

NM_002432.3(MNDA):c.581C>A (p.Thr194Asn)

Gene: MNDA (myeloid cell nuclear differentiation antigen; plus strand). Cytogenetic location: 1q23.1.
Variant type: single nucleotide variant.
Coding change: c.581C>A on transcript NM_002432.3 (MANE Select); coding-DNA position 581, C replaced by A.
Protein change: p.Thr194Asn; replaces threonine 194 with asparagine.
Molecular consequence: missense variant.
Genome position (GRCh38, 1-based): chr1:158,845,597, C>A. VCF-style: chr1-158845597-C-A. GRCh37 (hg19) VCF-style: chr1-158815387-C-A.
Other names: short protein forms T194N.
Identifiers: ClinVar variation 2496973 (VCV002496973.2), dbSNP rs2102051699, ClinGen allele CA343040647.

ClinVar aggregate classification (germline): Uncertain significance (1 of 4 stars; one submission).

Submission:

Ambry Genetics
Classification: Uncertain significance. Last evaluated: 2023-01-11. Review status: criteria provided, single submitter. Criteria: Ambry Variant Classification Scheme 2023. Collection method: clinical testing. Allele origin: germline.
Comment: The p.T194N variant (also known as c.581C>A), located in coding exon 4 of the MNDA gene, results from a C to A substitution at nucleotide position 581. The threonine at codon 194 is replaced by asparagine, an amino acid with similar properties. This amino acid position is conserved. In addition, this alteration is predicted to be tolerated by in silico analysis. Since supporting evidence is limited at this time, the clinical significance of this alteration remains unclear.